The following is an entry in ClinVar:

NM_014946.4(SPAST):c.1536G>A (p.Glu512=)

Gene: SPAST (spastin; plus strand). Cytogenetic location: 2p22.3.
Variant type: single nucleotide variant.
Coding change: c.1536G>A on transcript NM_014946.4 (MANE Select); coding-DNA position 1536, G replaced by A.
Protein change: p.Glu512=; no amino-acid change (glutamic acid 512 retained).
Molecular consequence: synonymous variant.
Genome position (GRCh38, 1-based): chr2:32,141,946, G>A. VCF-style: chr2-32141946-G-A. GRCh37 (hg19) VCF-style: chr2-32367015-G-A.
Other names: p.Glu512=; c.1533G>A, p.Glu511= (NM_001363823.2); c.1437G>A, p.Glu479= (NM_001363875.2); c.1440G>A, p.Glu480= (NM_001377959.1, NM_199436.2).
Identifiers: ClinVar variation 488958 (VCV000488958.10), dbSNP rs1553319093, ClinGen allele CA425451338.

ClinVar aggregate classification (germline): Conflicting classifications of pathogenicity. Review status: criteria provided, conflicting classifications (1 of 4 stars). 4 submissions from 4 submitters: Pathogenic (1); Likely pathogenic (2); Uncertain significance (1). Last evaluated 2026-01-26.

Conditions:
Hereditary spastic paraplegia 4. Also called: Spastic paraplegia 4, autosomal dominant; Familial spastic paraplegia autosomal dominant 2; Spastic Paraplegia 4. Identifiers: Orphanet 100985, MedGen C1866855, MONDO:0008438, OMIM 182601.

Submissions (4):

Medical and Scientific Branch, Hong Kong Genome Institute
Classification: Likely pathogenic for Hereditary spastic paraplegia 4. Last evaluated: 2026-01-26. Review status: criteria provided, single submitter. Criteria: ACMG Guidelines, 2015. Collection method: clinical testing. Allele origin: unknown. Affected: yes.

Labcorp Genetics (formerly Invitae), Labcorp
Classification: Pathogenic for Hereditary spastic paraplegia 4. Last evaluated: 2022-11-17. Review status: criteria provided, single submitter. Criteria: Invitae Variant Classification Sherloc (09022015). Collection method: clinical testing. Allele origin: germline.
Comment: This variant disrupts the c.1536G nucleotide in the SPAST gene. Other variant(s) that disrupt this nucleotide have been determined to be pathogenic (PMID: 11985387). This suggests that this nucleotide is clinically significant, and that variants that disrupt this position are likely to be disease-causing. Variants that disrupt the consensus splice site are a relatively common cause of aberrant splicing (PMID: 17576681, 9536098). Algorithms developed to predict the effect of sequence changes on RNA splicing suggest that this variant may disrupt the consensus splice site. ClinVar contains an entry for this variant (Variation ID: 488958). This variant has been observed in individuals with hereditary spastic paraplegia (PMID: 32908740; Invitae). It has also been observed to segregate with disease in related individuals. This variant is not present in population databases (gnomAD no frequency). This sequence change affects codon 512 of the SPAST mRNA. It is a 'silent' change, meaning that it does not change the encoded amino acid sequence of the SPAST protein. This variant also falls at the last nucleotide of exon 13, which is part of the consensus splice site for this exon. For these reasons, this variant has been classified as Pathogenic.

Mayo Clinic Laboratories, Mayo Clinic
Classification: Likely pathogenic. Last evaluated: 2019-03-17. Review status: criteria provided, single submitter. Criteria: ACMG Guidelines, 2015. Collection method: clinical testing. Allele origin: germline.

GeneDx
Classification: Uncertain significance. Last evaluated: 2018-01-03. Review status: criteria provided, single submitter. Criteria: GeneDx Variant Classification (06012015). Collection method: clinical testing. Allele origin: germline. Affected: yes.
Comment: The c.1536 G>A variant has not been published as a pathogenic variant, nor has it been reported as a benign variant to our knowledge. The c.1536 G>A variant is not observed in large population cohorts (Lek et al., 2016). This substitution occurs at a conserved position in exon 13, immediately adjacent to the splice donor site in intron 13, and in silico splice analysis predicts it may damage the natural donor splice site which may lead to abnormal splicing. However, in the absence of RNA/functional studies, the actual effect of the c.1536 G>A sequence change in this individual is unknown.

Literature cited by the submitters: PubMed 11985387 (cited by Labcorp Genetics (formerly Invitae), Labcorp); PubMed 17576681 (cited by Labcorp Genetics (formerly Invitae), Labcorp); PubMed 9536098 (cited by Labcorp Genetics (formerly Invitae), Labcorp); PubMed 32908740 (cited by Labcorp Genetics (formerly Invitae), Labcorp and Mayo Clinic Laboratories, Mayo Clinic).